The following is an entry in ClinVar:

ClinVar aggregate classification (germline): Uncertain significance. Review status: criteria provided, multiple submitters, no conflicts (2 of 4 stars). 3 submissions from 3 submitters: Uncertain significance (3). Last evaluated 2026-01-02.

Conditions:
Tumor predisposition syndrome 3 (TPDS3). Also called: Glioma susceptibility 9; LONG TELOMERE SYNDROME, POT1-RELATED; POT1 Tumor Predisposition; Melanoma, cutaneous malignant, susceptibility to, 10. Identifiers: Orphanet 618, MedGen C4014476, MONDO:0014368, OMIM 615848.
Hereditary cancer-predisposing syndrome. Also called: Tumor predisposition; Hereditary Cancer Syndrome; Hereditary neoplastic syndrome; Neoplastic Syndromes, Hereditary. Identifiers: Orphanet 140162, MedGen C0027672, MeSH D009386, MONDO:0015356.

Allele frequency attached by ClinVar (database versions not stated): gnomAD exomes below 0.00001; gnomAD 0.00001; TOPMed 0.00001.
gnomAD v4.1: 3 of 1,607,982 alleles (0.00019%); highest among the groups gnomAD compares: Non-Finnish European, 0.00025%; no homozygotes.

Submissions (3):

Labcorp Genetics (formerly Invitae), Labcorp
Classification: Uncertain significance for Tumor predisposition syndrome 3. Last evaluated: 2026-01-02. Review status: criteria provided, single submitter. Criteria: Invitae Variant Classification Sherloc (09022015). Collection method: clinical testing. Allele origin: germline.
Comment: This sequence change replaces alanine, which is neutral and non-polar, with valine, which is neutral and non-polar, at codon 356 of the POT1 protein (p.Ala356Val). This variant is not present in population databases (gnomAD no frequency). This variant has not been reported in the literature in individuals affected with POT1-related conditions. ClinVar contains an entry for this variant (Variation ID: 822101). Invitae Evidence Modeling of protein sequence and biophysical properties (such as structural, functional, and spatial information, amino acid conservation, physicochemical variation, residue mobility, and thermodynamic stability) indicates that this missense variant is not expected to disrupt POT1 protein function with a negative predictive value of 80%. In summary, the available evidence is currently insufficient to determine the role of this variant in disease. Therefore, it has been classified as a Variant of Uncertain Significance.

Ambry Genetics
Classification: Uncertain significance for Hereditary cancer-predisposing syndrome. Last evaluated: 2023-08-05. Review status: criteria provided, single submitter. Criteria: Ambry Variant Classification Scheme 2023. Collection method: clinical testing. Allele origin: germline.
Comment: The p.A356V variant (also known as c.1067C>T), located in coding exon 9 of the POT1 gene, results from a C to T substitution at nucleotide position 1067. The alanine at codon 356 is replaced by valine, an amino acid with similar properties. This amino acid position is well conserved in available vertebrate species. In addition, this alteration is predicted to be tolerated by in silico analysis. Since supporting evidence is limited at this time, the clinical significance of this alteration remains unclear.

Sema4
Classification: Uncertain significance for Hereditary cancer-predisposing syndrome. Last evaluated: 2021-08-10. Review status: criteria provided, single submitter. Criteria: Sema4 Curation Guidelines. Collection method: curation. Allele origin: germline.
Comment: The POT1 c.1067C>T (p.A356V) variant has not been reported in the literature to our knowledge. It was not observed in the large and broad cohorts of the Genome Aggregation Database. The variant has been reported in ClinVar (Variation ID: 822101). Functional studies have not been performed, and in silico predictions of the variant's effect on protein function are inconclusive. The evidence is insufficient to meet ACMG/AMP criteria for classifying the variant as benign or pathogenic. Thus, the clinical significance of this variant is currently uncertain.

NM_015450.3(POT1):c.1067C>T (p.Ala356Val)

Gene: POT1 (protection of telomeres 1; minus strand). Cytogenetic location: 7q31.33.
Variant type: single nucleotide variant.
Coding change: c.1067C>T on transcript NM_015450.3 (MANE Select); coding-DNA position 1067, C replaced by T.
Protein change: p.Ala356Val; replaces alanine 356 with valine.
Molecular consequence: missense variant. On other transcripts: non-coding transcript variant (3).
Genome position (GRCh38, 1-based): chr7:124,842,903, G>A on the plus strand (C>T on the coding strand, the complement: POT1 is on the minus strand). VCF-style: chr7-124842903-G-A. GRCh37 (hg19) VCF-style: chr7-124482957-G-A.
Other names: c.674C>T, p.Ala225Val (NM_001042594.2); short protein forms A356V, A225V.
Identifiers: ClinVar variation 822101 (VCV000822101.14), dbSNP rs1342019926, ClinGen allele CA369068444.
Genomic context (GRCh38, chr7:124,842,903, plus strand): 5'-TGAAATAGTCTTCTGGGCTTATATGACCTCAATTTTGCTCGGATGCGGTATTGTTGAGGA[G>A]CTTTTTGTTTCAAAATGGCACATAGTGGTGTCCTCTCCAAATACTGATGATCTGTAAGTA-3'
Protein context (NP_056265.2, residues 346-366): TPLCAILKQK[Ala356Val]PQQYRIRAKL